The following is an entry in ClinVar:

ClinVar aggregate classification (germline): Uncertain significance (1 of 4 stars; one submission).

gnomAD v4.1: 38 of 1,613,544 alleles (0.0024%); highest among the groups gnomAD compares: Middle Eastern, 0.13%; no homozygotes.

Submission:

Labcorp Genetics (formerly Invitae), Labcorp
Classification: Uncertain significance. Last evaluated: 2025-04-11. Review status: criteria provided, single submitter. Criteria: Invitae Variant Classification Sherloc (09022015). Collection method: clinical testing. Allele origin: germline.
Comment: This sequence change falls in intron 26 of the ACACA gene. It does not directly change the encoded amino acid sequence of the ACACA protein. It affects a nucleotide within the consensus splice site. This variant is present in population databases (rs749872449, gnomAD 0.004%). This variant has not been reported in the literature in individuals affected with ACACA-related conditions. Variants that disrupt the consensus splice site are a relatively common cause of aberrant splicing (PMID: 17576681, 9536098). Algorithms developed to predict the effect of sequence changes on RNA splicing suggest that this variant is not likely to affect RNA splicing. In summary, the available evidence is currently insufficient to determine the role of this variant in disease. Therefore, it has been classified as a Variant of Uncertain Significance.

Literature cited by the submitters: PubMed 17576681; PubMed 9536098.

NM_198834.3(ACACA):c.2931+6T>C

Gene: ACACA (acetyl-CoA carboxylase alpha; minus strand). Cytogenetic location: 17q12.
Variant type: single nucleotide variant.
Coding change: c.2931+6T>C on transcript NM_198834.3 (MANE Select); 6 bases into the intron after coding-DNA position 2931, T replaced by C.
Molecular consequence: intron variant.
Genome position (GRCh38, 1-based): chr17:37,243,365, A>G on the plus strand (T>C on the coding strand, the complement: ACACA is on the minus strand). VCF-style: chr17-37243365-A-G. GRCh37 (hg19) VCF-style: chr17-35600281-A-G.
Other names: c.2820+6T>C (NM_198839.3, NM_198836.3); c.2646+6T>C (NM_198837.2); c.2586+6T>C (NM_198838.2).
Identifiers: ClinVar variation 4691313 (VCV004691313.1).